The following is an entry in ClinVar:

NM_005918.4(MDH2):c.854G>C (p.Cys285Ser)

Gene: MDH2 (malate dehydrogenase 2; plus strand). Cytogenetic location: 7q11.23.
Variant type: single nucleotide variant.
Coding change: c.854G>C on transcript NM_005918.4 (MANE Select); coding-DNA position 854, G replaced by C.
Protein change: p.Cys285Ser; replaces cysteine 285 with serine.
Molecular consequence: missense variant.
Genome position (GRCh38, 1-based): chr7:76,064,922, G>C. VCF-style: chr7-76064922-G-C. GRCh37 (hg19) VCF-style: chr7-75694240-G-C.
Other names: c.728G>C, p.Cys243Ser (NM_001282403.2); c.533G>C, p.Cys178Ser (NM_001282404.2); short protein forms C178S, C285S, C243S.
Identifiers: ClinVar variation 1369240 (VCV001369240.7), dbSNP rs148746442, ClinGen allele CA367768738.

ClinVar aggregate classification (germline): Uncertain significance (1 of 4 stars; one submission).

Submission:

Labcorp Genetics (formerly Invitae), Labcorp
Classification: Uncertain significance. Last evaluated: 2022-03-22. Review status: criteria provided, single submitter. Criteria: Invitae Variant Classification Sherloc (09022015). Collection method: clinical testing. Allele origin: germline.
Comment: This variant is present in population databases (no rsID available, gnomAD 0.0009%). This sequence change replaces cysteine, which is neutral and slightly polar, with serine, which is neutral and polar, at codon 285 of the MDH2 protein (p.Cys285Ser). This variant has not been reported in the literature in individuals affected with MDH2-related conditions. Algorithms developed to predict the effect of missense changes on protein structure and function (SIFT, PolyPhen-2, Align-GVGD) all suggest that this variant is likely to be tolerated. In summary, the available evidence is currently insufficient to determine the role of this variant in disease. Therefore, it has been classified as a Variant of Uncertain Significance.